The following is an entry in ClinVar:

NM_004523.4(KIF11):c.1768dup (p.Thr590fs)

Gene: KIF11 (kinesin family member 11; plus strand). Cytogenetic location: 10q23.33.
Variant type: Duplication.
Coding change: c.1768dup on transcript NM_004523.4 (MANE Select); coding-DNA position 1768, one base duplicated (A; older notation c.1768dupA).
Protein change: p.Thr590fs; shifts the reading frame from threonine 590.
Molecular consequence: frameshift variant.
Genome position (GRCh38, 1-based): chr10:92,633,688, A duplicated. VCF-style (leftmost placement, unchanged base first): chr10-92633687-C-CA. GRCh37 (hg19) VCF-style: chr10-94393444-C-CA.
Other names: short protein forms T590fs.
Identifiers: ClinVar variation 1075762 (VCV001075762.7), dbSNP rs2135916870, ClinGen allele CA2499220489.

ClinVar aggregate classification (germline): Pathogenic (1 of 4 stars; one submission).

Submission:

Labcorp Genetics (formerly Invitae), Labcorp
Classification: Pathogenic. Last evaluated: 2018-06-10. Review status: criteria provided, single submitter. Criteria: Invitae Variant Classification Sherloc (09022015). Collection method: clinical testing. Allele origin: germline.
Comment: For these reasons, this variant has been classified as Pathogenic. Loss-of-function variants in KIF11 are known to be pathogenic (PMID: 24281367). This variant has not been reported in the literature in individuals with KIF11-related disease. This variant is not present in population databases (ExAC no frequency). This sequence change creates a premature translational stop signal (p.Thr590Asnfs*16) in the KIF11 gene. It is expected to result in an absent or disrupted protein product.

Literature cited by the submitters: PubMed 24281367.